The following is an entry in ClinVar:

ClinVar aggregate classification (germline): Uncertain significance. Review status: criteria provided, multiple submitters, no conflicts (2 of 4 stars). 2 submissions from 2 submitters: Uncertain significance (2). Last evaluated 2025-09-10.

Conditions:
Paroxysmal nonkinesigenic dyskinesia. Also called: Paroxysmal non-kinesigenic dyskinesia. Identifiers: Orphanet 98810, MedGen C1869117, MONDO:0700088.

Allele frequency attached by ClinVar (database versions not stated): ExAC 0.00001; gnomAD exomes 0.00002 and 0.00003; gnomAD 0.00007 and 0.00008; TOPMed 0.00010.
gnomAD v4.1: 43 of 1,613,422 alleles (0.0027%); highest among the groups gnomAD compares: African/African-American, 0.019%; no homozygotes.

Submissions (2):

Labcorp Genetics (formerly Invitae), Labcorp
Classification: Uncertain significance for Paroxysmal nonkinesigenic dyskinesia. Last evaluated: 2025-09-10. Review status: criteria provided, single submitter. Criteria: Invitae Variant Classification Sherloc (09022015). Collection method: clinical testing. Allele origin: germline.
Comment: This sequence change replaces arginine, which is basic and polar, with tryptophan, which is neutral and slightly polar, at codon 222 of the PNKD protein (p.Arg222Trp). This variant is present in population databases (rs758297049, gnomAD 0.008%). This variant has not been reported in the literature in individuals affected with PNKD-related conditions. ClinVar contains an entry for this variant (Variation ID: 809157). Invitae Evidence Modeling of protein sequence and biophysical properties (such as structural, functional, and spatial information, amino acid conservation, physicochemical variation, residue mobility, and thermodynamic stability) indicates that this missense variant is not expected to disrupt PNKD protein function with a negative predictive value of 80%. In summary, the available evidence is currently insufficient to determine the role of this variant in disease. Therefore, it has been classified as a Variant of Uncertain Significance.

CeGaT Center for Human Genetics Tuebingen
Classification: Uncertain significance. Last evaluated: 2019-05-01. Review status: criteria provided, single submitter. Criteria: CeGaT Center For Human Genetics Tuebingen Variant Classification Criteria Version 2. Collection method: clinical testing. Allele origin: germline. Affected: yes. Observed: 3 variant alleles.

NM_015488.5(PNKD):c.664C>T (p.Arg222Trp)

Genes: CATIP-AS2 (CATIP antisense RNA 2; minus strand), PNKD (PNKD metallo-beta-lactamase domain containing; plus strand). Cytogenetic location: 2q35.
Variant type: single nucleotide variant.
Coding change: c.664C>T on transcript NM_015488.5 (MANE Select); coding-DNA position 664, C replaced by T.
Protein change: p.Arg222Trp; replaces arginine 222 with tryptophan.
Molecular consequence: missense variant.
Genome position (GRCh38, 1-based): chr2:218,342,027, C>T. VCF-style: chr2-218342027-C-T. GRCh37 (hg19) VCF-style: chr2-219206750-C-T.
Other names: c.592C>T, p.Arg198Trp (NM_022572.5); short protein forms R198W, R222W.
Identifiers: ClinVar variation 809157 (VCV000809157.49), dbSNP rs758297049, ClinGen allele CA2104058.
Genomic context (GRCh38, chr2:218,342,027, plus strand): 5'-CCCTTGTTCCCCAGTCCCCTGTGTCATCAAGATGTGGTCAGCGTGGGACGGCTTCAGATC[C>T]GGGCCCTGGCTACACCTGGCCACACACAAGGCCATCTGGTCTACCTACTGGATGGGGAGC-3'
Protein context (NP_056303.3, residues 212-232): DVVSVGRLQI[Arg222Trp]ALATPGHTQG